The following is an entry in ClinVar:

NM_001032283.3(TMPO):c.70A>C (p.Asn24His)

Genes: TMPO-AS1 (TMPO antisense RNA 1; minus strand), TMPO (thymopoietin; plus strand). Cytogenetic location: 12q23.1.
Variant type: single nucleotide variant.
Coding change: c.70A>C on transcript NM_001032283.3 (MANE Select); coding-DNA position 70, A replaced by C.
Protein change: p.Asn24His; replaces asparagine 24 with histidine.
Molecular consequence: missense variant.
Genome position (GRCh38, 1-based): chr12:98,515,937, A>C. VCF-style: chr12-98515937-A-C. GRCh37 (hg19) VCF-style: chr12-98909715-A-C.
Other names: c.70A>C, p.Asn24His (NM_001032284.3, NM_001307975.2, NM_003276.2); short protein forms N24H.
Identifiers: ClinVar variation 180005 (VCV000180005.20), dbSNP rs727505279, ClinGen allele CA185617.

ClinVar aggregate classification (germline): Uncertain significance. Review status: criteria provided, multiple submitters, no conflicts (2 of 4 stars). 4 submissions from 4 submitters: Uncertain significance (4). Last evaluated 2025-12-19.

Conditions:
Loeys-Dietz syndrome 2 (LDS2). Also called: TGFBR2-Related Loeys-Dietz Syndrome; AORTIC ANEURYSM, FAMILIAL THORACIC 3; MARFAN SYNDROME, TYPE II; Marfan Syndrome type 2; Marfan like connective tissue disorder; MFS 2. Identifiers: Orphanet 284973, Orphanet 558, MedGen C2674574, MONDO:0012427, OMIM 610168.

Allele frequency attached by ClinVar (database versions not stated): gnomAD exomes 0.00001 and 0.00002; TOPMed 0.00002.
gnomAD v4.1: 10 of 1,613,636 alleles (0.00062%); highest among the groups gnomAD compares: African/African-American, 0.011%; no homozygotes.

Submissions (4):

Labcorp Genetics (formerly Invitae), Labcorp
Classification: Uncertain significance for Loeys-Dietz syndrome 2. Last evaluated: 2025-12-19. Review status: criteria provided, single submitter. Criteria: Invitae Variant Classification Sherloc (09022015). Collection method: clinical testing. Allele origin: germline.
Comment: This sequence change replaces asparagine, which is neutral and polar, with histidine, which is basic and polar, at codon 24 of the TMPO protein (p.Asn24His). This variant is present in population databases (rs727505279, gnomAD 0.03%). This variant has not been reported in the literature in individuals affected with TMPO-related conditions. ClinVar contains an entry for this variant (Variation ID: 180005). An algorithm developed to predict the effect of missense changes on protein structure and function (PolyPhen-2) suggests that this variant is likely to be disruptive. In summary, the available evidence is currently insufficient to determine the role of this variant in disease. Therefore, it has been classified as a Variant of Uncertain Significance.

Ambry Genetics
Classification: Uncertain significance. Last evaluated: 2025-12-03. Review status: criteria provided, single submitter. Criteria: Ambry Variant Classification Scheme 2023. Collection method: clinical testing. Allele origin: germline.

GeneDx
Classification: Uncertain significance. Last evaluated: 2019-05-10. Review status: criteria provided, single submitter. Criteria: GeneDx Variant Classification Process June 2021. Collection method: clinical testing. Allele origin: germline. Affected: yes.
Comment: Not observed at a significant frequency in large population cohorts (Lek et al., 2016); In silico analysis, which includes protein predictors and evolutionary conservation, supports a deleterious effect; Has not been previously published as pathogenic or benign to our knowledge; Reported in ClinVar but additional evidence is not available (ClinVar Variant ID# 180005; Landrum et al., 2016)

Laboratory for Molecular Medicine, Mass General Brigham Personalized Medicine
Classification: Uncertain significance. Last evaluated: 2014-09-24. Review status: criteria provided, single submitter. Criteria: LMM Criteria. Collection method: clinical testing. Allele origin: germline. Observed: 1 variant allele.
Comment: The Asn24His variant in TMPO has not been previously reported in individuals wit h cardiomyopathy or in large population studies. Computational prediction tools and conservation analysis do not provide strong support for or against an impact to the protein. In summary, the clinical significance of the Asn24His variant i s uncertain.